The following is an entry in ClinVar:

ClinVar aggregate classification (germline): Likely benign. Review status: criteria provided, single submitter (1 of 4 stars). 2 submissions from 2 submitters: Likely benign (1). 1 of the submissions does not count toward it. Last evaluated 2025-01-16.

Conditions:
MYH9-related disorder. Identifiers: MedGen C1854520.

gnomAD v4.1: 11 of 1,614,048 alleles (0.00068%); highest among the groups gnomAD compares: Middle Eastern, 0.016%; no homozygotes.

Submissions (2):

Labcorp Genetics (formerly Invitae), Labcorp
Classification: Likely benign. Last evaluated: 2025-01-16. Review status: criteria provided, single submitter. Criteria: Invitae Variant Classification Sherloc (09022015). Collection method: clinical testing. Allele origin: germline.

PreventionGenetics, part of Exact Sciences
Classification: Uncertain significance for MYH9-related condition. Last evaluated: 2024-05-03. Review status: no assertion criteria provided. Collection method: clinical testing. Allele origin: germline. Not counted in ClinVar's aggregate classification.
Comment: The MYH9 c.737A>G variant is predicted to result in the amino acid substitution p.Asn246Ser. To our knowledge, this variant has not been reported in the literature. This variant is reported in 0.0065% of alleles in individuals of South Asian descent in gnomAD. At this time, the clinical significance of this variant is uncertain due to the absence of conclusive functional and genetic evidence.

NM_002473.6(MYH9):c.737A>G (p.Asn246Ser)

Gene: MYH9 (myosin heavy chain 9; minus strand). Cytogenetic location: 22q12.3.
Variant type: single nucleotide variant.
Coding change: c.737A>G on transcript NM_002473.6 (MANE Select); coding-DNA position 737, A replaced by G.
Protein change: p.Asn246Ser; replaces asparagine 246 with serine.
Molecular consequence: missense variant.
Genome position (GRCh38, 1-based): chr22:36,321,790, T>C on the plus strand (A>G on the coding strand, the complement: MYH9 is on the minus strand). VCF-style: chr22-36321790-T-C. GRCh37 (hg19) VCF-style: chr22-36717835-T-C.
Other names: short protein forms N246S.
Identifiers: ClinVar variation 3351161 (VCV003351161.3).